The following is an entry in ClinVar:

NM_002691.4(POLD1):c.3301C>T (p.Pro1101Ser)

Gene: POLD1 (DNA polymerase delta 1, catalytic subunit; plus strand). Cytogenetic location: 19q13.33.
Variant type: single nucleotide variant.
Coding change: c.3301C>T on transcript NM_002691.4 (MANE Select); coding-DNA position 3301, C replaced by T.
Protein change: p.Pro1101Ser; replaces proline 1101 with serine.
Molecular consequence: missense variant. On other transcripts: non-coding transcript variant (1).
Genome position (GRCh38, 1-based): chr19:50,417,924, C>T. VCF-style: chr19-50417924-C-T. GRCh37 (hg19) VCF-style: chr19-50921181-C-T.
Other names: c.3301C>T, p.Pro1101Ser (NM_001256849.1); c.3379C>T, p.Pro1127Ser (NM_001308632.1); short protein forms P1101S, P1127S.
Identifiers: ClinVar variation 408052 (VCV000408052.17), dbSNP rs142223599, ClinGen allele CA9596844.

ClinVar aggregate classification (germline): Conflicting classifications of pathogenicity. Review status: criteria provided, conflicting classifications (1 of 4 stars). 3 submissions from 3 submitters: Uncertain significance (2); Likely benign (1). Last evaluated 2025-12-09.

Conditions:
Hereditary cancer-predisposing syndrome. Also called: Neoplastic Syndromes, Hereditary; Hereditary neoplastic syndrome; Hereditary Cancer Syndrome; Tumor predisposition. Identifiers: Orphanet 140162, MedGen C0027672, MeSH D009386, MONDO:0015356.
POLD1-related polyposis and colorectal cancer syndrome (CRCS10). Also called: Colorectal cancer, susceptibility to, 10; Colorectal cancer 10; COLORECTAL CANCER, SUSCEPTIBILITY TO, ON CHROMOSOME 19q. Identifiers: Orphanet 220460, MedGen C2675481, MONDO:0012953, OMIM 612591.

Allele frequency attached by ClinVar (database versions not stated): ExAC 0.00001; gnomAD 0.00005 and 0.00006; TOPMed 0.00006; ESP Exome Variant Server 0.00023.
gnomAD v4.1: 10 of 1,608,982 alleles (0.00062%); highest among the groups gnomAD compares: African/African-American, 0.012%; no homozygotes.

Submissions (3):

Labcorp Genetics (formerly Invitae), Labcorp
Classification: Uncertain significance for POLD1-related polyposis and colorectal cancer syndrome. Last evaluated: 2025-12-09. Review status: criteria provided, single submitter. Criteria: Invitae Variant Classification Sherloc (09022015). Collection method: clinical testing. Allele origin: germline.
Comment: This sequence change replaces proline, which is neutral and non-polar, with serine, which is neutral and polar, at codon 1101 of the POLD1 protein (p.Pro1101Ser). This variant is present in population databases (rs142223599, gnomAD 0.02%). This variant has not been reported in the literature in individuals affected with POLD1-related conditions. ClinVar contains an entry for this variant (Variation ID: 408052). An algorithm developed to predict the effect of missense changes on protein structure and function (PolyPhen-2) suggests that this variant is likely to be tolerated. In summary, the available evidence is currently insufficient to determine the role of this variant in disease. Therefore, it has been classified as a Variant of Uncertain Significance.

Ambry Genetics
Classification: Likely benign for Hereditary cancer-predisposing syndrome. Last evaluated: 2024-12-16. Review status: criteria provided, single submitter. Criteria: Ambry Variant Classification Scheme 2023. Collection method: clinical testing. Allele origin: germline.

GeneDx
Classification: Uncertain significance. Last evaluated: 2022-06-25. Review status: criteria provided, single submitter. Criteria: GeneDx Variant Classification Process June 2021. Collection method: clinical testing. Allele origin: germline. Affected: yes.
Comment: In silico analysis supports that this missense variant does not alter protein structure/function; Has not been previously published as pathogenic or benign to our knowledge; This variant is associated with the following publications: (PMID: 29056344)